The following is an entry in ClinVar:

ClinVar aggregate classification (germline): Uncertain significance. Review status: criteria provided, multiple submitters, no conflicts (2 of 4 stars). 3 submissions from 3 submitters: Uncertain significance (3). Last evaluated 2025-11-02.

Conditions:
Arrhythmogenic right ventricular dysplasia 5. Also called: Arrhythmogenic Right Ventricular Dysplasia/Cardiomyopathy 5; ARRHYTHMOGENIC RIGHT VENTRICULAR DYSPLASIA, FAMILIAL, 5. Identifiers: MedGen C1858379, MONDO:0011459, OMIM 604400.
Cardiovascular phenotype. Identifiers: MedGen CN230736.

Allele frequency attached by ClinVar (database versions not stated): gnomAD exomes below 0.00001 and 0.00001; ExAC 0.00001.
gnomAD v4.1: 4 of 1,614,224 alleles (0.00025%); highest among the groups gnomAD compares: Non-Finnish European, 0.00034%; no homozygotes.

Submissions (3):

Ambry Genetics
Classification: Uncertain significance for Cardiovascular phenotype. Last evaluated: 2025-11-02. Review status: criteria provided, single submitter. Criteria: Ambry Variant Classification Scheme 2023. Collection method: clinical testing. Allele origin: germline.
Comment: The p.E229G variant (also known as c.686A>G), located in coding exon 8 of the TMEM43 gene, results from an A to G substitution at nucleotide position 686. The glutamic acid at codon 229 is replaced by glycine, an amino acid with similar properties. This amino acid position is conserved. In addition, this alteration is predicted to be tolerated by in silico analysis. Based on the available evidence, the clinical significance of this variant remains unclear.

All of Us Research Program, National Institutes of Health
Classification: Uncertain significance for Arrhythmogenic right ventricular dysplasia 5. Last evaluated: 2024-03-05. Review status: criteria provided, single submitter. Criteria: ACMG Guidelines, 2015. Collection method: clinical testing. Allele origin: germline. Inheritance: Autosomal dominant inheritance. Observed: 2 variant alleles, 2 heterozygotes.
Comment: This missense variant replaces glutamic acid with glycine at codon 229 of the TMEM43 protein. Computational prediction suggests that this variant may not impact protein structure and function (internally defined REVEL score threshold <= 0.5, PMID: 27666373). To our knowledge, functional studies have not been reported for this variant. This variant has not been reported in individuals affected with TMEM43-related disorders in the literature. This variant has been identified in 2/251312 chromosomes in the general population by the Genome Aggregation Database (gnomAD). The available evidence is insufficient to determine the role of this variant in disease conclusively. Therefore, this variant is classified as a Variant of Uncertain Significance.

This study involves interpretation of variants in research participants for the purpose of population health screening. Participant phenotype was not available at the time of variant classification. Additional details can be found in publication PMID: 35346344, PMCID: PMC8962531

Labcorp Genetics (formerly Invitae), Labcorp
Classification: Uncertain significance for Arrhythmogenic right ventricular dysplasia 5. Last evaluated: 2020-07-10. Review status: criteria provided, single submitter. Criteria: Invitae Variant Classification Sherloc (09022015). Collection method: clinical testing. Allele origin: germline.
Comment: In summary, the available evidence is currently insufficient to determine the role of this variant in disease. Therefore, it has been classified as a Variant of Uncertain Significance. This sequence change replaces glutamic acid with glycine at codon 229 of the TMEM43 protein (p.Glu229Gly). The glutamic acid residue is moderately conserved and there is a moderate physicochemical difference between glutamic acid and glycine. This variant is present in population databases (rs764671990, ExAC 0.001%). This variant has not been reported in the literature in individuals with TMEM43-related conditions. Algorithms developed to predict the effect of missense changes on protein structure and function (SIFT, PolyPhen-2, Align-GVGD) all suggest that this variant is likely to be tolerated, but these predictions have not been confirmed by published functional studies and their clinical significance is uncertain.

NM_024334.3(TMEM43):c.686A>G (p.Glu229Gly)

Gene: TMEM43 (transmembrane protein 43; plus strand). Cytogenetic location: 3p25.1.
Variant type: single nucleotide variant.
Coding change: c.686A>G on transcript NM_024334.3 (MANE Select); coding-DNA position 686, A replaced by G.
Protein change: p.Glu229Gly; replaces glutamic acid 229 with glycine.
Molecular consequence: missense variant.
Genome position (GRCh38, 1-based): chr3:14,134,872, A>G. VCF-style: chr3-14134872-A-G. GRCh37 (hg19) VCF-style: chr3-14176372-A-G.
Other names: c.686A>G (NM_024334.2); short protein forms E229G.
Identifiers: ClinVar variation 1062714 (VCV001062714.12), dbSNP rs764671990, ClinGen allele CA054860.